The following is an entry in ClinVar:

ClinVar aggregate classification (germline): Pathogenic (1 of 4 stars; one submission).

Conditions:
Hereditary breast ovarian cancer syndrome. Also called: Hereditary breast and ovarian cancer; Breast and ovarian cancer; Hereditary breast and ovarian cancer syndrome; Hereditary breast and/or ovarian cancer syndrome; BRCA1- and BRCA2-Associated Hereditary Breast and Ovarian Cancer; Hereditary breast and ovarian cancer syndrome (HBOC). Identifiers: Orphanet 145, MedGen C0677776, MeSH D061325, MONDO:0003582. Disease mechanism: loss of function.

Submission:

Women's Health and Genetics/Laboratory Corporation of America, LabCorp
Classification: Pathogenic for Hereditary breast and ovarian cancer syndrome. Last evaluated: 2019-11-19. Review status: criteria provided, single submitter. Criteria: LabCorp Variant Classification Summary - May 2015. Collection method: clinical testing. Allele origin: germline.
Comment: Variant summary: The variant identified by MLPA or other technology involves the deletion of exon 21 (legacy name: exon 22 del) in the BRCA1 gene. A presumed nomenclature of c.(5332+1_5333-1)_(5406+1_5407-1)del has been designated for the purposes of this classification. The variant was absent in approximately 20,000 control chromosomes (gnomAD, Structural Variants dataset). c.(5332+1_5333-1)_(5406+1_5407-1)del has been reported in the literature in numerous individuals affected with Hereditary Breast and Ovarian Cancer (e.g. Krainer_1997, Rebbeck_2018). These data indicate that the variant is very likely to be associated with disease. Two ClinVar submitters (evaluation after 2014) cite the variant as pathogenic. Based on the evidence outlined above, the variant was classified as pathogenic.

Literature cited by the submitters: PubMed 21324516; PubMed 9145678; PubMed 21281505; PubMed 29446198.

NC_000017.11:g.(43047704_43049120)_(43049195_43051062)del

Gene: BRCA1 (BRCA1 DNA repair associated; minus strand). Cytogenetic location: 17q21.31.
Variant type: Deletion.
Identifiers: ClinVar variation 440438 (VCV000440438.3).